The following is an entry in ClinVar:

ClinVar aggregate classification (germline): Pathogenic (1 of 4 stars; one submission).

Conditions:
Joubert syndrome. Also called: JOUBERT-BOLTSHAUSER SYNDROME; Familial aplasia of the vermis. Identifiers: Orphanet 475, MedGen C5979921, MONDO:0018772.
Meckel-Gruber syndrome. Also called: DYSENCEPHALIA SPLANCHNOCYSTICA; GRUBER SYNDROME; Dysencephalia splachnocystica. Identifiers: Orphanet 564, MedGen C0265215, MONDO:0018921.

Submission:

Labcorp Genetics (formerly Invitae), Labcorp
Classification: Pathogenic for Joubert syndrome; Meckel-Gruber syndrome. Last evaluated: 2023-04-01. Review status: criteria provided, single submitter. Criteria: Invitae Variant Classification Sherloc (09022015). Collection method: clinical testing. Allele origin: germline.
Comment: For these reasons, this variant has been classified as Pathogenic. This variant has not been reported in the literature in individuals affected with CC2D2A-related conditions. This variant is not present in population databases (gnomAD no frequency). This sequence change creates a premature translational stop signal (p.Lys1505*) in the CC2D2A gene. It is expected to result in an absent or disrupted protein product. Loss-of-function variants in CC2D2A are known to be pathogenic (PMID: 19777577).

Literature cited by the submitters: PubMed 19777577.

NM_001378615.1(CC2D2A):c.4513A>T (p.Lys1505Ter)

Genes: CC2D2A (coiled-coil and C2 domain containing 2A; plus strand), FBXL5 (F-box and leucine rich repeat protein 5; minus strand). Cytogenetic location: 4p15.32.
Variant type: single nucleotide variant.
Coding change: c.4513A>T on transcript NM_001378615.1 (MANE Select); coding-DNA position 4513, A replaced by T.
Protein change: p.Lys1505Ter; replaces lysine 1505 with a stop codon.
Molecular consequence: nonsense.
Genome position (GRCh38, 1-based): chr4:15,599,545, A>T. VCF-style: chr4-15599545-A-T. GRCh37 (hg19) VCF-style: chr4-15601168-A-T.
Other names: c.4513A>T, p.Lys1505Ter (NM_001080522.2); c.4366A>T, p.Lys1456Ter (NM_001378617.1); short protein forms K1456*, K1505*.
Identifiers: ClinVar variation 2946051 (VCV002946051.3), dbSNP rs1721481933, ClinGen allele CA356433654.